The following is an entry in ClinVar:

ClinVar aggregate classification (germline): Uncertain significance (1 of 4 stars; one submission).

Submission:

Labcorp Genetics (formerly Invitae), Labcorp
Classification: Uncertain significance. Last evaluated: 2025-08-07. Review status: criteria provided, single submitter. Criteria: Invitae Variant Classification Sherloc (09022015). Collection method: clinical testing. Allele origin: germline.
Comment: This sequence change replaces aspartic acid, which is acidic and polar, with asparagine, which is neutral and polar, at codon 704 of the PCDH12 protein (p.Asp704Asn). This variant is not present in population databases (gnomAD no frequency). This variant has not been reported in the literature in individuals affected with PCDH12-related conditions. Invitae Evidence Modeling of protein sequence and biophysical properties (such as structural, functional, and spatial information, amino acid conservation, physicochemical variation, residue mobility, and thermodynamic stability) indicates that this missense variant is not expected to disrupt PCDH12 protein function with a negative predictive value of 95%. In summary, the available evidence is currently insufficient to determine the role of this variant in disease. Therefore, it has been classified as a Variant of Uncertain Significance.

NM_016580.4(PCDH12):c.2110G>A (p.Asp704Asn)

Genes: PCDH12 (protocadherin 12; minus strand), RNF14 (ring finger protein 14; plus strand). Cytogenetic location: 5q31.3.
Variant type: single nucleotide variant.
Coding change: c.2110G>A on transcript NM_016580.4 (MANE Select); coding-DNA position 2110, G replaced by A.
Protein change: p.Asp704Asn; replaces aspartic acid 704 with asparagine.
Molecular consequence: missense variant.
Genome position (GRCh38, 1-based): chr5:141,955,742, C>T on the plus strand (G>A on the coding strand, the complement: PCDH12 is on the minus strand). VCF-style: chr5-141955742-C-T. GRCh37 (hg19) VCF-style: chr5-141335307-C-T.
Other names: short protein forms D704N.
Identifiers: ClinVar variation 4801545 (VCV004801545.1).
Genomic context (GRCh38, chr5:141,955,742, plus strand): 5'-CAGCCAGGCAGATCACCGTCAGCATCGACATGCTCAAGGCCCCAGGCTTGCGGGCTGAGT[C>T]CCTCAGGTGGTCCACACTGGTGACAAACATGACCCTCAACAGGGCTCGGGTCTGTAAGGG-3'
Protein context (NP_057664.1, residues 694-714): MFVTSVDHLR[Asp704Asn]SARKPGALSM